The following is an entry in ClinVar:

ClinVar aggregate classification (germline): Uncertain significance (1 of 4 stars; one submission).

Submission:

Labcorp Genetics (formerly Invitae), Labcorp
Classification: Uncertain significance. Last evaluated: 2022-09-27. Review status: criteria provided, single submitter. Criteria: Invitae Variant Classification Sherloc (09022015). Collection method: clinical testing. Allele origin: germline.
Comment: In summary, the available evidence is currently insufficient to determine the role of this variant in disease. Therefore, it has been classified as a Variant of Uncertain Significance. Algorithms developed to predict the effect of sequence changes on RNA splicing suggest that this variant may disrupt the consensus splice site. Algorithms developed to predict the effect of missense changes on protein structure and function are either unavailable or do not agree on the potential impact of this missense change (SIFT: "Deleterious"; PolyPhen-2: "Probably Damaging"; Align-GVGD: "Class C0"). ClinVar contains an entry for this variant (Variation ID: 1495266). This variant has not been reported in the literature in individuals affected with DMXL2-related conditions. This variant is not present in population databases (gnomAD no frequency). This sequence change replaces arginine, which is basic and polar, with serine, which is neutral and polar, at codon 2762 of the DMXL2 protein (p.Arg2762Ser).

NM_001378457.1(DMXL2):c.8349G>T (p.Arg2783Ser)

Gene: DMXL2 (Dmx like 2; minus strand). Cytogenetic location: 15q21.2.
Variant type: single nucleotide variant.
Coding change: c.8349G>T on transcript NM_001378457.1 (MANE Select); coding-DNA position 8349, G replaced by T.
Protein change: p.Arg2783Ser; replaces arginine 2783 with serine.
Molecular consequence: missense variant. On other transcripts: non-coding transcript variant (2).
Genome position (GRCh38, 1-based): chr15:51,456,358, C>A on the plus strand (G>T on the coding strand, the complement: DMXL2 is on the minus strand). VCF-style: chr15-51456358-C-A. GRCh37 (hg19) VCF-style: chr15-51748555-C-A.
Other names: c.8286G>T, p.Arg2762Ser (NM_001174116.3); c.6375G>T, p.Arg2125Ser (NM_001174117.3); c.8346G>T, p.Arg2782Ser (NM_001378458.1); c.8061G>T, p.Arg2687Ser (NM_001378459.1); c.6264G>T, p.Arg2088Ser (NM_001378460.1); c.8283G>T, p.Arg2761Ser (NM_015263.5); short protein forms R2782S, R2783S, R2088S, R2762S, R2125S, R2761S, R2687S.
Identifiers: ClinVar variation 1495266 (VCV001495266.8), dbSNP rs1223308863, ClinGen allele CA392434882.